The following is an entry in ClinVar:

ClinVar aggregate classification (germline): Uncertain significance (1 of 4 stars; one submission).

Conditions:
Epidermolysis bullosa simplex with nail dystrophy (EBS5D). Identifiers: MedGen C4225309, MONDO:0014661, OMIM 616487.
Epidermolysis bullosa simplex 5C, with pyloric atresia (EBS5C). Also called: PLEC-Related Epidermolysis Bullosa with Pyloric Atresia; Epidermolysis bullosa simplex with pyloric atresia; PLEC1-Related Epidermolysis Bullosa with Pyloric Atresia. Identifiers: Orphanet 158684, MedGen C2677349, MONDO:0012807, OMIM 612138.
Autosomal recessive limb-girdle muscular dystrophy type 2Q (LGMDR17). Also called: MUSCULAR DYSTROPHY, LIMB-GIRDLE, AUTOSOMAL RECESSIVE 17. Identifiers: Orphanet 254361, MedGen C3150989, MONDO:0013390, OMIM 613723.
Epidermolysis bullosa simplex, Ogna type (EBS5A). Also called: Pidermolysis bullosa simplex 5A, Ogna type; EPIDERMOLYSIS BULLOSA SIMPLEX 5A, OGNA TYPE. Identifiers: Orphanet 79401, MedGen C0432317, MONDO:0007555, OMIM 131950.
Epidermolysis bullosa simplex 5B, with muscular dystrophy (EBS5B). Also called: EPIDERMOLYSIS BULLOSA SIMPLEX AND LIMB-GIRDLE MUSCULAR DYSTROPHY; Epidermolysis bullosa simplex with muscular dystrophy. Identifiers: Orphanet 257, MedGen C2931072, MONDO:0009181, OMIM 226670.

Submission:

Labcorp Genetics (formerly Invitae), Labcorp
Classification: Uncertain significance for Autosomal recessive limb-girdle muscular dystrophy type 2Q; Epidermolysis bullosa simplex, Ogna type; Epidermolysis bullosa simplex with nail dystrophy; Epidermolysis bullosa simplex 5C, with pyloric atresia; Epidermolysis bullosa simplex 5B, with muscular dystrophy. Last evaluated: 2023-01-08. Review status: criteria provided, single submitter. Criteria: Invitae Variant Classification Sherloc (09022015). Collection method: clinical testing. Allele origin: germline.
Comment: This variant is not present in population databases (gnomAD no frequency). In summary, the available evidence is currently insufficient to determine the role of this variant in disease. Therefore, it has been classified as a Variant of Uncertain Significance. Advanced modeling of protein sequence and biophysical properties (such as structural, functional, and spatial information, amino acid conservation, physicochemical variation, residue mobility, and thermodynamic stability) performed at Invitae indicates that this missense variant is not expected to disrupt PLEC protein function. This variant has not been reported in the literature in individuals affected with PLEC-related conditions. This sequence change replaces serine, which is neutral and polar, with phenylalanine, which is neutral and non-polar, at codon 641 of the PLEC protein (p.Ser641Phe).

NM_201384.3(PLEC):c.1841C>T (p.Ser614Phe)

Gene: PLEC (plectin; minus strand). Cytogenetic location: 8q24.3.
Variant type: single nucleotide variant.
Coding change: c.1841C>T on transcript NM_201384.3 (MANE Select); coding-DNA position 1841, C replaced by T.
Protein change: p.Ser614Phe; replaces serine 614 with phenylalanine.
Molecular consequence: missense variant.
Genome position (GRCh38, 1-based): chr8:143,932,536, G>A on the plus strand (C>T on the coding strand, the complement: PLEC is on the minus strand). VCF-style: chr8-143932536-G-A. GRCh37 (hg19) VCF-style: chr8-145006704-G-A.
Other names: c.1853C>T, p.Ser618Phe (NM_201383.3); c.1922C>T, p.Ser641Phe (NM_000445.5, NM_001410941.1); c.1799C>T, p.Ser600Phe (NM_201378.4); c.1775C>T, p.Ser592Phe (NM_201379.3); c.2252C>T, p.Ser751Phe (NM_201380.4); c.1745C>T, p.Ser582Phe (NM_201381.3); c.1841C>T, p.Ser614Phe (NM_201382.4); short protein forms S582F, S592F, S618F, S751F, S600F, S614F, S641F.
Identifiers: ClinVar variation 2934339 (VCV002934339.3), dbSNP rs1554717325, ClinGen allele CA372578615.